The following is an entry in ClinVar:

NM_000219.6(KCNE1):c.176T>G (p.Leu59Arg)

Gene: KCNE1 (potassium voltage-gated channel subfamily E regulatory subunit 1; minus strand). Cytogenetic location: 21q22.12.
Variant type: single nucleotide variant.
Coding change: c.176T>G on transcript NM_000219.6 (MANE Select); coding-DNA position 176, T replaced by G.
Protein change: p.Leu59Arg; replaces leucine 59 with arginine.
Molecular consequence: missense variant.
Genome position (GRCh38, 1-based): chr21:34,449,459, A>C on the plus strand (T>G on the coding strand, the complement: KCNE1 is on the minus strand). VCF-style: chr21-34449459-A-C. GRCh37 (hg19) VCF-style: chr21-35821757-A-C.
Other names: c.176T>G, p.Leu59Arg (NM_001127668.4, NM_001127669.4, NM_001127670.4 and 4 more transcripts); short protein forms L59R.
Identifiers: ClinVar variation 3374249 (VCV003374249.2).

Conditions:
Long QT syndrome 5 (LQT5). Identifiers: Orphanet 101016, Orphanet 768, MedGen C1867904, MONDO:0013372, OMIM 613695.

Submission:

Roden Lab, Vanderbilt University Medical Center
No classification provided (evidence only). Condition: Long QT syndrome 5. Review status: no classification provided. Collection method: in vitro. Allele origin: not applicable. Functional consequence: Effect on ion channel function.
ClinVar note: "not provided" was previously submitted as the classification for the variant. However, the classification appeared to be based only on an observation of functional data so it was converted to no classification on 2025-07-30.